The following is an entry in ClinVar:

NM_033305.3(VPS13A):c.8105+1G>A

Gene: VPS13A (vacuolar protein sorting 13 homolog A; plus strand). Cytogenetic location: 9q21.2.
Variant type: single nucleotide variant.
Coding change: c.8105+1G>A on transcript NM_033305.3 (MANE Select); the canonical splice donor site of the intron after coding-DNA position 8105, G replaced by A.
Molecular consequence: splice donor variant.
Genome position (GRCh38, 1-based): chr9:77,359,403, G>A. VCF-style: chr9-77359403-G-A. GRCh37 (hg19) VCF-style: chr9-79974319-G-A.
Other names: c.7988+1G>A (NM_001018037.2); c.8105+1G>A (NM_015186.4, NM_001018038.3).
Identifiers: ClinVar variation 1066154 (VCV001066154.7), dbSNP rs1293371764, ClinGen allele CA373860280.
Genomic context (GRCh38, chr9:77,359,403, plus strand): 5'-CTTTACAGATGTCAGTATTGTCATGAGATCTGCAGGACATTCCCAGATATCACGTATTAA[G>A]TAAGTGTCTTAATACATTTCTTGTATATTTATTTAATGTTTGATTTAAATATATGAATTG-3'

ClinVar aggregate classification (germline): Likely pathogenic (1 of 4 stars; one submission).

Allele frequency attached by ClinVar (database versions not stated): TOPMed below 0.00001.

Submission:

Labcorp Genetics (formerly Invitae), Labcorp
Classification: Likely pathogenic. Last evaluated: 2021-10-19. Review status: criteria provided, single submitter. Criteria: Invitae Variant Classification Sherloc (09022015). Collection method: clinical testing. Allele origin: germline.
Comment: In summary, the currently available evidence indicates that the variant is pathogenic, but additional data are needed to prove that conclusively. Therefore, this variant has been classified as Likely Pathogenic. This variant has not been reported in the literature in individuals with VPS13A-related conditions. This sequence change affects a donor splice site in intron 58 of the VPS13A gene. It is expected to disrupt RNA splicing and likely results in an absent or disrupted protein product. This variant is not present in population databases (ExAC no frequency). Algorithms developed to predict the effect of sequence changes on RNA splicing suggest that this variant may disrupt the consensus splice site, but this prediction has not been confirmed by published transcriptional studies. Donor and acceptor splice site variants typically lead to a loss of protein function (PMID: 16199547), and loss-of-function variants in VPS13A are known to be pathogenic (PMID: 12404112, 21598378).

Literature cited by the submitters: PubMed 16199547; PubMed 12404112; PubMed 21598378.